The following is an entry in ClinVar:

ClinVar aggregate classification (germline): Pathogenic (1 of 4 stars; one submission).

Conditions:
Congenital hyperammonemia, type I. Also called: CPS I DEFICIENCY; Carbamoyl phosphate synthetase 1 deficiency; Hyperammonemia due to carbamoyl phosphate synthetase 1 deficiency; CPS 1 deficiency; Carbamoyl-phosphate synthase I deficiency; Carbamyl phosphate synthetase (CPS) deficiency. Identifiers: Orphanet 147, MedGen C4082171, MONDO:0009376, OMIM 237300.

Submission:

Labcorp Genetics (formerly Invitae), Labcorp
Classification: Pathogenic for Congenital hyperammonemia, type I. Last evaluated: 2022-10-07. Review status: criteria provided, single submitter. Criteria: Invitae Variant Classification Sherloc (09022015). Collection method: clinical testing. Allele origin: germline.
Comment: For these reasons, this variant has been classified as Pathogenic. This variant has not been reported in the literature in individuals affected with CPS1-related conditions. This variant is not present in population databases (gnomAD no frequency). This sequence change creates a premature translational stop signal (p.Trp1397*) in the CPS1 gene. It is expected to result in an absent or disrupted protein product. Loss-of-function variants in CPS1 are known to be pathogenic (PMID: 21120950).

Literature cited by the submitters: PubMed 21120950.

NM_001875.5(CPS1):c.4190G>A (p.Trp1397Ter)

Gene: CPS1 (carbamoyl-phosphate synthase 1; plus strand). Cytogenetic location: 2q34.
Variant type: single nucleotide variant.
Coding change: c.4190G>A on transcript NM_001875.5 (MANE Select); coding-DNA position 4190, G replaced by A.
Protein change: p.Trp1397Ter; replaces tryptophan 1397 with a stop codon.
Molecular consequence: nonsense. On other transcripts: non-coding transcript variant (2).
Genome position (GRCh38, 1-based): chr2:210,675,756, G>A. VCF-style: chr2-210675756-G-A. GRCh37 (hg19) VCF-style: chr2-211540480-G-A.
Other names: c.4190G>A, p.Trp1397Ter (NM_001122633.3, NM_001369257.1); c.4223G>A, p.Trp1408Ter (NM_001369256.1); short protein forms W1408*, W1397*.
Identifiers: ClinVar variation 2034383 (VCV002034383.4), dbSNP rs1460868239, ClinGen allele CA350440680.